The following is an entry in ClinVar:

NM_004999.4(MYO6):c.647A>T (p.Glu216Val)

Gene: MYO6 (myosin VI; plus strand). Cytogenetic location: 6q14.1.
Variant type: single nucleotide variant.
Coding change: c.647A>T on transcript NM_004999.4 (MANE Select); coding-DNA position 647, A replaced by T.
Protein change: p.Glu216Val; replaces glutamic acid 216 with valine.
Molecular consequence: missense variant. On other transcripts: non-coding transcript variant (2).
Genome position (GRCh38, 1-based): chr6:75,840,678, A>T. VCF-style: chr6-75840678-A-T. GRCh37 (hg19) VCF-style: chr6-76550395-A-T.
Other names: c.647A>T, p.Glu216Val (NM_001300899.2, NM_001368136.1, NM_001368137.1 and 4 more transcripts); c.632A>T, p.Glu211Val (NM_001368138.1); short protein forms E216V, E211V.
Identifiers: ClinVar variation 8580 (VCV000008580.22), dbSNP rs121912559, ClinGen allele CA180677.
Genomic context (GRCh38, chr6:75,840,678, plus strand): 5'-AGACTGTTCGCAACAATAATAGCAGTCGATTTGGGAAATTTGTAGAAATACATTTTAATG[A>T]AAAGGTAAGTGAGAGTAAGCTTTGGAATGATATTTTTGGGGAGTGTTTGTGAAAATGCAA-3'
Protein context (NP_004990.3, residues 206-226): FGKFVEIHFN[Glu216Val]KSSVVGGFVS

ClinVar aggregate classification (germline): Conflicting classifications of pathogenicity. Review status: criteria provided, conflicting classifications (1 of 4 stars). 6 submissions from 6 submitters: Uncertain significance (4); Benign (1). 1 of the submissions does not count toward it. Last evaluated 2025-08-19.

Conditions:
Autosomal dominant nonsyndromic hearing loss 22. Also called: Autosomal dominant nonsyndromic deafness 22; DFNA 22. Identifiers: Orphanet 228012, MedGen C2931767, MONDO:0011660, OMIM 606346.
Autosomal recessive nonsyndromic hearing loss 37. Identifiers: Orphanet 90636, MedGen C1843028, MONDO:0011912, OMIM 607821.

Allele frequency attached by ClinVar (database versions not stated): gnomAD 0.00001 and 0.00020; TOPMed 0.00003; gnomAD exomes 0.00019 and 0.00032; ExAC 0.00046; 1000 Genomes Project 30x 0.00219; 1000 Genomes Project 0.00240.
gnomAD v4.1: 306 of 1,606,212 alleles (0.019%); highest among the groups gnomAD compares: South Asian, 0.32%; 2 homozygotes.

Submissions (7):

GeneDx
Classification: Uncertain significance. Last evaluated: 2025-08-19. Review status: criteria provided, single submitter. Criteria: GeneDx Variant Classification Process June 2021. Collection method: clinical testing. Allele origin: germline. Affected: yes.
Comment: Observed in homozygous state in a patient with congenital sensorineural hearing loss in the literature, however, this individual was not screened for variants in other genes associated with hearing loss (PMID: 12687499), and this variant was observed as homozygous in at least one individual in the general population (gnomAD); Published functional studies are inconclusive regarding the functional impact of this variant (PMID: 32143290); In silico analysis supports that this missense variant has a deleterious effect on protein structure/function; This variant is associated with the following publications: (PMID: 31250571, 29224747, 30245029, 32143290, 39019031, 12687499, 39982357)

Blueprint Genetics
Classification: Uncertain significance. Last evaluated: 2024-10-22. Review status: criteria provided, single submitter. Criteria: ACMG Guidelines, 2015. Collection method: clinical testing. Allele origin: germline.

Labcorp Genetics (formerly Invitae), Labcorp
Classification: Benign. Last evaluated: 2024-10-10. Review status: criteria provided, single submitter. Criteria: Invitae Variant Classification Sherloc (09022015). Collection method: clinical testing. Allele origin: germline.

Laboratory for Molecular Medicine, Mass General Brigham Personalized Medicine
Classification: Uncertain significance. Last evaluated: 2022-08-26. Review status: criteria provided, single submitter. Criteria: ACMG Guidelines, 2015. Collection method: clinical testing. Allele origin: germline.
Comment: Although this information suggests a role for this variant, it is possible that the variant segregates with another variant that is causative for the hearing loss. Additional evidence, such as screening for this variant in a large ethnically-matched control population and functional studies, is needed to assume pathogenicity. Computational prediction tools and conservation analysis do not provide strong support for or against an impact to the protein. In summary, the clinical significance of the Glu216Val variant is uncertain.

Mendelics
Classification: Uncertain significance for Autosomal dominant nonsyndromic hearing loss 22. Last evaluated: 2019-05-28. Review status: criteria provided, single submitter. Criteria: Mendelics Assertion Criteria 2017. Collection method: clinical testing. Allele origin: unknown.

Dr. Peter K. Rogan Lab, Western University
No classification provided (evidence only). Condition: Gastric cancer. Review status: no classification provided. Collection method: in vitro. Allele origin: not applicable. Functional consequence: retained intron. Not counted in ClinVar's aggregate classification.

OMIM
Classification: Pathogenic for DEAFNESS, AUTOSOMAL RECESSIVE 37. Last evaluated: 2003-05-01. Review status: flagged submission. Collection method: literature only. Allele origin: germline. Not counted in ClinVar's aggregate classification.
ClinVar note: Reason: Older and outlier claim with insufficient supporting evidence

Literature cited by the submitters: PubMed 12687499 (cited by Laboratory for Molecular Medicine, Mass General Brigham Personalized Medicine and OMIM).